The following is an entry in ClinVar:

ClinVar aggregate classification (germline): Conflicting classifications of pathogenicity. Review status: criteria provided, conflicting classifications (1 of 4 stars). 3 submissions from 3 submitters: Uncertain significance (2); Likely benign (1). Last evaluated 2025-09-04.

Conditions:
Retinitis pigmentosa 31 (RP31). Identifiers: Orphanet 791, MedGen C1835923, MONDO:0012367, OMIM 609923.

Allele frequency attached by ClinVar (database versions not stated): TOPMed below 0.00001; gnomAD 0.00001; ExAC 0.00002; gnomAD exomes 0.00003; ESP Exome Variant Server 0.00008.
gnomAD v4.1: 38 of 1,614,010 alleles (0.0024%); highest among the groups gnomAD compares: Non-Finnish European, 0.0031%; no homozygotes.

Submissions (3):

Labcorp Genetics (formerly Invitae), Labcorp
Classification: Uncertain significance. Last evaluated: 2025-09-04. Review status: criteria provided, single submitter. Criteria: Invitae Variant Classification Sherloc (09022015). Collection method: clinical testing. Allele origin: germline.
Comment: This sequence change replaces proline, which is neutral and non-polar, with serine, which is neutral and polar, at codon 931 of the TOPORS protein (p.Pro931Ser). This variant is present in population databases (rs138093293, gnomAD 0.006%). This variant has not been reported in the literature in individuals affected with TOPORS-related conditions. ClinVar contains an entry for this variant (Variation ID: 1920258). An algorithm developed to predict the effect of missense changes on protein structure and function outputs the following: PolyPhen-2: "Not Available". The serine amino acid residue is found in multiple mammalian species, which suggests that this missense change does not adversely affect protein function. In summary, the available evidence is currently insufficient to determine the role of this variant in disease. Therefore, it has been classified as a Variant of Uncertain Significance.

Blueprint Genetics
Classification: Likely benign. Last evaluated: 2024-11-20. Review status: criteria provided, single submitter. Criteria: ACMG Guidelines, 2015. Collection method: clinical testing. Allele origin: germline.

Fulgent Genetics
Classification: Uncertain significance for Retinitis pigmentosa 31. Last evaluated: 2023-12-27. Review status: criteria provided, single submitter. Criteria: ACMG Guidelines, 2015. Collection method: clinical testing. Allele origin: germline.

NM_005802.5(TOPORS):c.2791C>T (p.Pro931Ser)

Gene: TOPORS (TOP1 binding arginine/serine rich protein, E3 ubiquitin ligase; minus strand). Cytogenetic location: 9p21.1.
Variant type: single nucleotide variant.
Coding change: c.2791C>T on transcript NM_005802.5 (MANE Select); coding-DNA position 2791, C replaced by T.
Protein change: p.Pro931Ser; replaces proline 931 with serine.
Molecular consequence: missense variant.
Genome position (GRCh38, 1-based): chr9:32,541,734, G>A on the plus strand (C>T on the coding strand, the complement: TOPORS is on the minus strand). VCF-style: chr9-32541734-G-A. GRCh37 (hg19) VCF-style: chr9-32541732-G-A.
Other names: c.2596C>T, p.Pro866Ser (NM_001195622.2); short protein forms P866S, P931S.
Identifiers: ClinVar variation 1920258 (VCV001920258.7), dbSNP rs138093293, ClinGen allele CA5020305.
Genomic context (GRCh38, chr9:32,541,734, plus strand): 5'-CTTTAGTTTCAAATGGTTCCAAGGAAGGAGCCAAAAACTCATTTTGTAGAGGGTCTTGAG[G>A]ACCACTATTGTCACATTCTGTATCCTCCTTTACTTCAGAATCCTTATCACTGTCACTGTC-3'
Protein context (NP_005793.2, residues 921-941): KEDTECDNSG[Pro931Ser]QDPLQNEFLA